The following is an entry in ClinVar:

NM_003000.3(SDHB):c.330_333dup (p.Ala112fs)

Gene: SDHB (succinate dehydrogenase complex iron sulfur subunit B; minus strand). Cytogenetic location: 1p36.13.
Variant type: Duplication.
Coding change: c.330_333dup on transcript NM_003000.3 (MANE Select); coding-DNA positions 330 to 333, 4 bases duplicated (TCTA; older notation c.330_333dupTCTA).
Protein change: p.Ala112fs; shifts the reading frame from alanine 112.
Molecular consequence: frameshift variant.
Genome position (GRCh38, 1-based): chr1:17,028,690-17,028,693, TAGA duplicated on the plus strand (TCTA on the coding strand, the reverse complement: SDHB is on the minus strand). VCF-style (leftmost placement, unchanged base first): chr1-17028689-C-CTAGA. GRCh37 (hg19) VCF-style: chr1-17355184-C-CTAGA.
Other names: c.330_333dupTCTA (NM_003000.2); short protein forms A112fs.
Identifiers: ClinVar variation 201605 (VCV000201605.4), dbSNP rs794728948, ClinGen allele CA308155.

ClinVar aggregate classification (germline): Pathogenic. Review status: criteria provided, multiple submitters, no conflicts (2 of 4 stars). 2 submissions from 2 submitters: Pathogenic (2). Last evaluated 2018-01-23.

Conditions:
Hereditary cancer-predisposing syndrome. Also called: Neoplastic Syndromes, Hereditary; Hereditary Cancer Syndrome; Hereditary neoplastic syndrome; Tumor predisposition. Identifiers: Orphanet 140162, MedGen C0027672, MeSH D009386, MONDO:0015356.

Submissions (2):

Ambry Genetics
Classification: Pathogenic for Hereditary cancer-predisposing syndrome. Last evaluated: 2018-01-23. Review status: criteria provided, single submitter. Criteria: Ambry Variant Classification Scheme 2023. Collection method: clinical testing. Allele origin: germline.
Comment: The c.330_333dupTCTA pathogenic mutation, located in coding exon 4 of the SDHB gene, results from a duplication of TCTA at nucleotide position 330, causing a translational frameshift with a predicted alternate stop codon (p.A112Sfs*8). This alteration is expected to result in loss of function by premature protein truncation or nonsense-mediated mRNA decay. As such, this alteration is interpreted as a disease-causing mutation.

GeneDx
Classification: Pathogenic. Last evaluated: 2018-01-16. Review status: criteria provided, single submitter. Criteria: GeneDx Variant Classification (06012015). Collection method: clinical testing. Allele origin: germline. Affected: yes.
Comment: This duplication of four nucleotides in SDHB is denoted c.330_333dupTCTA at the cDNA level and p.Ala112SerfsX8 (A112SfsX8) at the protein level. The normal sequence, with the bases that are duplicated in brackets, is ACAC[dupTCTA]GCTT. The duplication causes a frameshift which changes an Alanine to a Serine at codon 112, and creates a premature stop codon at position 8 of the new reading frame. Although this variant has not, to our knowledge, been reported in the literature, it is predicted to cause loss of normal protein function through either protein truncation or nonsense-mediated mRNA decay. We consider this variant to be pathogenic.